The following is an entry in ClinVar:

NM_000489.6(ATRX):c.2461_2466del (p.Leu821_Glu822del)

Gene: ATRX (ATRX chromatin remodeler; minus strand). Cytogenetic location: Xq21.1.
Variant type: Deletion.
Coding change: c.2461_2466del on transcript NM_000489.6 (MANE Select); coding-DNA positions 2461 to 2466, 6 bases deleted (TTAGAA; older notation c.2461_2466delTTAGAA).
Protein change: p.Leu821_Glu822del.
Molecular consequence: inframe deletion.
Genome position (GRCh38, 1-based): chrX:77,682,790-77,682,795, TTCTAA deleted on the plus strand (TTAGAA on the coding strand, the reverse complement: ATRX is on the minus strand); deleting any 6 consecutive bases within chrX:77,682,790-77,682,799 gives the same sequence; the c. name uses the placement nearest the transcript's 3' end. VCF-style (leftmost placement, unchanged base first): chrX-77682789-TTTCTAA-T. GRCh37 (hg19) VCF-style: chrX-76938281-TTTCTAA-T.
Other names: c.2347_2352del, p.Leu783_Glu784del (NM_138270.5).
Identifiers: ClinVar variation 432200 (VCV000432200.11), dbSNP rs781862926, ClinGen allele CA10458083.

ClinVar aggregate classification (germline): Uncertain significance. Review status: criteria provided, multiple submitters, no conflicts (2 of 4 stars). 2 submissions from 2 submitters: Uncertain significance (2). Last evaluated 2024-10-24.

Conditions:
Alpha thalassemia-X-linked intellectual disability syndrome (ATRX). Also called: ALPHA-THALASSEMIA/MENTAL RETARDATION SYNDROME, X-LINKED; X-linked alpha-thalassemia-mental retardation syndrome; ATR-X syndrome; Alpha thalassemia mental retardation syndrome, nondeletion type, X-linked; XLMR hypotonic face syndrome; ATR, NONDELETION TYPE. Identifiers: Orphanet 847, MedGen C1845055, MONDO:0010519, OMIM 301040.

Submissions (2):

Labcorp Genetics (formerly Invitae), Labcorp
Classification: Uncertain significance for Alpha thalassemia-X-linked intellectual disability syndrome. Last evaluated: 2024-10-24. Review status: criteria provided, single submitter. Criteria: Invitae Variant Classification Sherloc (09022015). Collection method: clinical testing. Allele origin: germline.
Comment: This variant, c.2461_2466del, results in the deletion of 2 amino acid(s) of the ATRX protein (p.Leu821_Glu822del), but otherwise preserves the integrity of the reading frame. This variant is present in population databases (rs781862926, gnomAD 0.02%), including at least one homozygous and/or hemizygous individual. This variant has not been reported in the literature in individuals affected with ATRX-related conditions. ClinVar contains an entry for this variant (Variation ID: 432200). Experimental studies and prediction algorithms are not available or were not evaluated, and the functional significance of this variant is currently unknown. In summary, the available evidence is currently insufficient to determine the role of this variant in disease. Therefore, it has been classified as a Variant of Uncertain Significance.

GeneDx
Classification: Uncertain significance. Last evaluated: 2017-06-13. Review status: criteria provided, single submitter. Criteria: GeneDx Variant Classification (06012015). Collection method: clinical testing. Allele origin: germline. Affected: yes.
Comment: The c.2461_2466delTTAGAA variant in the ATRX gene has not been reported previously as a pathogenic variant nor as a benign variant, to our knowledge. The c.2461_2466delTTAGAA variant results in an in-frame deletion of two amino acids which are conserved through mammals, Leucine 821 and Glutamate 822, denoted p.Leu821_Glu822del. The c.2461_2466delTTAGAA variant is observed in 3/8215 (0.03%) alleles from individuals of African background in the ExAC dataset (Lek et al., 2016). We interpret c.2461_2466delTTAGAA as a variant of uncertain significance.